The following is an entry in ClinVar:

ClinVar aggregate classification (germline): Pathogenic/Likely pathogenic. Review status: criteria provided, multiple submitters, no conflicts (2 of 4 stars). 2 submissions from 2 submitters: Pathogenic (1); Likely pathogenic (1). Last evaluated 2025-04-10.

Conditions:
Tay-Sachs disease (TSD). Also called: HEXA DEFICIENCY; GM2 gangliosidosis, type 1; Hexosaminidase alpha-subunit deficiency (variant B); Sphingolipidosis, Tay-Sachs; Hexosaminidase A Deficiency; HEXA Disorders. Identifiers: Orphanet 845, MedGen C0039373, MONDO:0010100, OMIM 272800.

Submissions (2):

Natera, Inc.
Classification: Likely pathogenic for Tay-Sachs disease. Last evaluated: 2025-04-10. Review status: criteria provided, single submitter. Criteria: Natera Variant Classification Schema (03/2026). Collection method: clinical testing. Allele origin: germline.
Comment: The c.568_569dup variant in HEXA is a frameshift variant predicted to shift the reading frame beginning at codon 191 and leads to a stop codon 9 codons downstream. This variant is expected to result in nonsense mediated decay, truncation, or a dysfunctional protein product. This variant is rare in the general population with a frequency below the threshold expected for the associated phenotype(s). Given the available evidence, this variant is classified as Likely Pathogenic.

Myriad Genetics, Inc.
Classification: Pathogenic for Tay-Sachs disease. Last evaluated: 2024-12-17. Review status: criteria provided, single submitter. Criteria: Myriad Autosomal Dominant, Autosomal Recessive and X-Linked Classification Criteria (2023). Collection method: clinical testing. Allele origin: unknown.
Comment: NM_000520.4(HEXA):c.568_569dupCT(D191Wfs*9) is expected to be pathogenic in the context of hexosaminidase A deficiency. This variant is predicted to lead to an abnormal or absent protein product due to the creation of a premature termination codon in HEXA, a gene where loss-of-function variants are known to be pathogenic. Please note: this variant was assessed in the context of healthy population screening.

NM_000520.6(HEXA):c.568_569dup (p.Asp191fs)

Gene: HEXA (hexosaminidase subunit alpha; minus strand). Cytogenetic location: 15q23.
Variant type: Microsatellite.
Coding change: c.568_569dup on transcript NM_000520.6 (MANE Select); coding-DNA positions 568 to 569, 2 bases duplicated (CT; older notation c.568_569dupCT).
Protein change: p.Asp191fs; shifts the reading frame from aspartic acid 191.
Molecular consequence: frameshift variant. On other transcripts: non-coding transcript variant (1).
Genome position (GRCh38, 1-based): chr15:72,353,069-72,353,070, AG duplicated on the plus strand (CT on the coding strand, the reverse complement: HEXA is on the minus strand); duplicating any 2 consecutive bases within chr15:72,353,069-72,353,072 gives the same sequence; the c. name uses the placement nearest the transcript's 3' end. VCF-style (leftmost placement, unchanged base first): chr15-72353068-C-CAG. GRCh37 (hg19) VCF-style: chr15-72645409-C-CAG.
Other names: c.601_602dup, p.Asp202fs (NM_001318825.2); short protein forms D191fs, D202fs.
Identifiers: ClinVar variation 4069145 (VCV004069145.3).